The following is an entry in ClinVar:

ClinVar aggregate classification (germline): Uncertain significance (1 of 4 stars; one submission).

Conditions:
MCM2-related disorder. Also called: MCM2-related condition.

Submission:

PreventionGenetics, part of Exact Sciences
Classification: Uncertain significance for MCM2-related condition. Last evaluated: 2025-12-07. Review status: criteria provided, single submitter. Criteria: ACMG Guidelines, 2015. Collection method: clinical testing. Allele origin: germline.
Comment: The MCM2 c.418G>A variant is predicted to result in the amino acid substitution p.Asp140Asn. To our knowledge, this variant has not been reported in the literature. This variant is reported in 0.0049% of alleles in individuals of European (Non-Finnish) descent in gnomAD. At this time, the clinical significance of this variant is uncertain due to the absence of conclusive functional and genetic evidence.

NM_004526.4(MCM2):c.418G>A (p.Asp140Asn)

Gene: MCM2 (minichromosome maintenance complex component 2; plus strand). Cytogenetic location: 3q21.3.
Variant type: single nucleotide variant.
Coding change: c.418G>A on transcript NM_004526.4 (MANE Select); coding-DNA position 418, G replaced by A.
Protein change: p.Asp140Asn; replaces aspartic acid 140 with asparagine.
Molecular consequence: missense variant. On other transcripts: non-coding transcript variant (1).
Genome position (GRCh38, 1-based): chr3:127,604,901, G>A. VCF-style: chr3-127604901-G-A. GRCh37 (hg19) VCF-style: chr3-127323744-G-A.
Other names: short protein forms D140N.
Identifiers: ClinVar variation 4989897 (VCV004989897.1).